The following is an entry in ClinVar:

ClinVar aggregate classification (germline): Likely benign (0 of 4 stars; one submission).

Conditions:
NFXL1-related disorder. Also called: NFXL1-related condition.

Allele frequency attached by ClinVar (database versions not stated): ExAC 0.00032; gnomAD 0.00070; 1000 Genomes Project 0.00080; ESP Exome Variant Server 0.00092; 1000 Genomes Project 30x 0.00094.
gnomAD v4.1: 190 of 1,593,748 alleles (0.012%); highest among the groups gnomAD compares: African/African-American, 0.22%; no homozygotes.

Submission:

PreventionGenetics, part of Exact Sciences
Classification: Likely benign for NFXL1-related condition. Last evaluated: 2019-06-07. Review status: no assertion criteria provided. Collection method: clinical testing. Allele origin: germline.
Comment: This variant is classified as likely benign based on ACMG/AMP sequence variant interpretation guidelines (Richards et al. 2015 PMID: 25741868, with internal and published modifications).

NM_001278624.2(NFXL1):c.1452+3T>G

Genes: NFXL1 (nuclear transcription factor, X-box binding like 1; minus strand), LOC101927179 (uncharacterized LOC101927179; plus strand). Cytogenetic location: 4p12.
Variant type: single nucleotide variant.
Coding change: c.1452+3T>G on transcript NM_001278624.2 (MANE Select); 3 bases into the intron after coding-DNA position 1452, T replaced by G.
Molecular consequence: intron variant.
Genome position (GRCh38, 1-based): chr4:47,894,177, A>C on the plus strand (T>G on the coding strand, the complement: NFXL1 is on the minus strand). VCF-style: chr4-47894177-A-C. GRCh37 (hg19) VCF-style: chr4-47896194-A-C.
Other names: c.1452+3T>G (NM_001278623.1, NM_152995.6).
Identifiers: ClinVar variation 3044056 (VCV003044056.2), dbSNP rs368101166, ClinGen allele CA2910595.